The following is an entry in ClinVar:

NM_001103.4(ACTN2):c.335T>A (p.Val112Glu)

Gene: ACTN2 (actinin alpha 2; plus strand). Cytogenetic location: 1q43.
Variant type: single nucleotide variant.
Coding change: c.335T>A on transcript NM_001103.4 (MANE Select); coding-DNA position 335, T replaced by A.
Protein change: p.Val112Glu; replaces valine 112 with glutamic acid.
Molecular consequence: missense variant. On other transcripts: 5 prime UTR variant (1).
Genome position (GRCh38, 1-based): chr1:236,718,987, T>A. VCF-style: chr1-236718987-T-A. GRCh37 (hg19) VCF-style: chr1-236882287-T-A.
Other names: c.335T>A, p.Val112Glu (NM_001278343.2); c.-487T>A (NM_001278344.2); short protein forms V112E.
Identifiers: ClinVar variation 1036944 (VCV001036944.9), dbSNP rs1658302587, ClinGen allele CA345373652.

ClinVar aggregate classification (germline): Uncertain significance (1 of 4 stars; one submission).

Conditions:
Dilated cardiomyopathy 1AA (CMD1AA). Also called: CARDIOMYOPATHY, FAMILIAL HYPERTROPHIC, 23, WITH OR WITHOUT LEFT VENTRICULAR NONCOMPACTION; Cardiomyopathy, dilated, 1AA, with or without LVNC; CARDIOMYOPATHY, DILATED, 1AA, WITH OR WITHOUT LEFT VENTRICULAR NONCOMPACTION. Identifiers: Orphanet 154, MedGen C2677338, MONDO:0012808, OMIM 612158.
Primary familial hypertrophic cardiomyopathy (HCM). Identifiers: Orphanet 99739, MedGen C0949658, MeSH D024741, MONDO:0024573. Inheritance: Various modes of inheritance.

Submission:

Labcorp Genetics (formerly Invitae), Labcorp
Classification: Uncertain significance for Primary familial hypertrophic cardiomyopathy; Dilated cardiomyopathy 1AA. Last evaluated: 2021-05-17. Review status: criteria provided, single submitter. Criteria: Invitae Variant Classification Sherloc (09022015). Collection method: clinical testing. Allele origin: germline.
Comment: This variant is not present in population databases (ExAC no frequency). This variant has not been reported in the literature in individuals with ACTN2-related conditions. Algorithms developed to predict the effect of missense changes on protein structure and function (SIFT, PolyPhen-2, Align-GVGD) all suggest that this variant is likely to be disruptive, but these predictions have not been confirmed by published functional studies and their clinical significance is uncertain. In summary, the available evidence is currently insufficient to determine the role of this variant in disease. Therefore, it has been classified as a Variant of Uncertain Significance. This sequence change replaces valine with glutamic acid at codon 112 of the ACTN2 protein (p.Val112Glu). The valine residue is highly conserved and there is a moderate physicochemical difference between valine and glutamic acid.